The following is an entry in ClinVar:

NM_001232.4(CASQ2):c.1192G>A (p.Asp398Asn)

Gene: CASQ2 (calsequestrin 2; minus strand). Cytogenetic location: 1p13.1.
Variant type: single nucleotide variant.
Coding change: c.1192G>A on transcript NM_001232.4 (MANE Select); coding-DNA position 1192, G replaced by A.
Protein change: p.Asp398Asn; replaces aspartic acid 398 with asparagine.
Molecular consequence: missense variant.
Genome position (GRCh38, 1-based): chr1:115,701,249, C>T on the plus strand (G>A on the coding strand, the complement: CASQ2 is on the minus strand). VCF-style: chr1-115701249-C-T. GRCh37 (hg19) VCF-style: chr1-116243870-C-T.
Other names: c.1192G>A (NM_001232.3); short protein forms D398N.
Identifiers: ClinVar variation 1016604 (VCV001016604.11), dbSNP rs1654192683, ClinGen allele CA341766147.

ClinVar aggregate classification (germline): Uncertain significance. Review status: criteria provided, multiple submitters, no conflicts (2 of 4 stars). 2 submissions from 2 submitters: Uncertain significance (2). Last evaluated 2026-08-29.

Conditions:
Cardiovascular phenotype. Identifiers: MedGen CN230736.
Catecholaminergic polymorphic ventricular tachycardia 1. Also called: VENTRICULAR TACHYCARDIA, STRESS-INDUCED POLYMORPHIC 1; VENTRICULAR TACHYCARDIA, CATECHOLAMINERGIC POLYMORPHIC, 1, WITH OR WITHOUT ATRIAL DYSFUNCTION AND/OR DILATED CARDIOMYOPATHY; RYR2-Related Catecholaminergic Polymorphic Ventricular Tachycardia. Identifiers: Orphanet 3286, MedGen C1631597, MONDO:0011484, OMIM 604772.

Allele frequency attached by ClinVar (database versions not stated): TOPMed 0.00001; gnomAD exomes below 0.00001.
gnomAD v4.1: 1 of 1,611,688 alleles (0.000062%); highest among the groups gnomAD compares: Admixed American, 0.0017%; no homozygotes.

Submissions (2):

Ambry Genetics
Classification: Uncertain significance for Cardiovascular phenotype. Last evaluated: 2026-08-29. Review status: criteria provided, single submitter. Criteria: Ambry Variant Classification Scheme 2023. Collection method: clinical testing. Allele origin: germline.
Comment: The p.D398N variant (also known as c.1192G>A), located in coding exon 11 of the CASQ2 gene, results from a G to A substitution at nucleotide position 1192. The aspartic acid at codon 398 is replaced by asparagine, an amino acid with highly similar properties. This amino acid position is conserved. In addition, this alteration is predicted to be tolerated by in silico analysis. Based on the available evidence, the clinical significance of this variant remains unclear.

Labcorp Genetics (formerly Invitae), Labcorp
Classification: Uncertain significance for Catecholaminergic polymorphic ventricular tachycardia 1. Last evaluated: 2021-12-24. Review status: criteria provided, single submitter. Criteria: Invitae Variant Classification Sherloc (09022015). Collection method: clinical testing. Allele origin: germline.
Comment: This sequence change replaces aspartic acid, which is acidic and polar, with asparagine, which is neutral and polar, at codon 398 of the CASQ2 protein (p.Asp398Asn). This variant is not present in population databases (gnomAD no frequency). This variant has not been reported in the literature in individuals affected with CASQ2-related conditions. ClinVar contains an entry for this variant (Variation ID: 1016604). Algorithms developed to predict the effect of missense changes on protein structure and function are either unavailable or do not agree on the potential impact of this missense change (SIFT: "Deleterious"; PolyPhen-2: "Not Available"; Align-GVGD: "Class C0"). In summary, the available evidence is currently insufficient to determine the role of this variant in disease. Therefore, it has been classified as a Variant of Uncertain Significance.